The following is an entry in ClinVar:

ClinVar aggregate classification (germline): Uncertain significance (1 of 4 stars; one submission).

Conditions:
Inborn genetic diseases. Identifiers: MedGen C0950123, MeSH D030342.

Submission:

Ambry Genetics
Classification: Uncertain significance for Inborn genetic diseases. Last evaluated: 2026-02-13. Review status: criteria provided, single submitter. Criteria: Ambry Variant Classification Scheme 2023. Collection method: clinical testing. Allele origin: germline.
Comment: The p.T795I variant (also known as c.2384C>T), located in coding exon 15 of the CDH2 gene, results from a C to T substitution at nucleotide position 2384. The threonine at codon 795 is replaced by isoleucine, an amino acid with similar properties. This amino acid position is conserved. In addition, this alteration is predicted to be deleterious by in silico analysis. Based on the available evidence, the clinical significance of this variant remains unclear.

NM_001792.5(CDH2):c.2384C>T (p.Thr795Ile)

Genes: CDH2 (cadherin 2; minus strand), CDH2-AS1 (CDH2 antisense RNA 1; plus strand). Cytogenetic location: 18q12.1.
Variant type: single nucleotide variant.
Coding change: c.2384C>T on transcript NM_001792.5 (MANE Select); coding-DNA position 2384, C replaced by T.
Protein change: p.Thr795Ile; replaces threonine 795 with isoleucine.
Molecular consequence: missense variant. On other transcripts: non-coding transcript variant (1).
Genome position (GRCh38, 1-based): chr18:27,963,487, G>A on the plus strand (C>T on the coding strand, the complement: CDH2 is on the minus strand). VCF-style: chr18-27963487-G-A. GRCh37 (hg19) VCF-style: chr18-25543451-G-A.
Other names: c.2291C>T, p.Thr764Ile (NM_001308176.2); short protein forms T795I, T764I.
Identifiers: ClinVar variation 4824335 (VCV004824335.1).